The following is an entry in ClinVar:

ClinVar aggregate classification (germline): Pathogenic (1 of 4 stars; one submission).

Submission:

Labcorp Genetics (formerly Invitae), Labcorp
Classification: Pathogenic. Last evaluated: 2025-12-08. Review status: criteria provided, single submitter. Criteria: Invitae Variant Classification Sherloc (09022015). Collection method: clinical testing. Allele origin: germline.
Comment: This sequence change affects a donor splice site in intron 27 of the C5 gene. It is expected to disrupt RNA splicing. Variants that disrupt the donor or acceptor splice site typically lead to a loss of protein function (PMID: 16199547), and loss-of-function variants in C5 are known to be pathogenic (PMID: 7730648, 19414197, 27026170). This variant is not present in population databases (gnomAD no frequency). Disruption of this splice site has been observed in individual(s) with clinical features of C5 deficiency (PMID: 23743184). It has also been observed to segregate with disease in related individuals. Studies have shown that disruption of this splice site is associated with inconclusive levels of altered splicing (PMID: 23743184). For these reasons, this variant has been classified as Pathogenic.

Literature cited by the submitters: PubMed 16199547; PubMed 7730648; PubMed 19414197; PubMed 27026170; PubMed 23743184.

NM_001735.3(C5):c.3486+1G>C

Gene: C5 (complement C5; minus strand). Cytogenetic location: 9q33.2.
Variant type: single nucleotide variant.
Coding change: c.3486+1G>C on transcript NM_001735.3 (MANE Select); the canonical splice donor site of the intron after coding-DNA position 3486, G replaced by C.
Molecular consequence: splice donor variant.
Genome position (GRCh38, 1-based): chr9:120,981,843, C>G on the plus strand (G>C on the coding strand, the complement: C5 is on the minus strand). VCF-style: chr9-120981843-C-G. GRCh37 (hg19) VCF-style: chr9-123744121-C-G.
Other names: c.3504+1G>C (NM_001317163.2).
Identifiers: ClinVar variation 4769304 (VCV004769304.1).